The following is an entry in ClinVar:

NM_152732.5(RSPH9):c.118C>T (p.Arg40Cys)

Gene: RSPH9 (radial spoke head component 9; plus strand). Cytogenetic location: 6p21.1.
Variant type: single nucleotide variant.
Coding change: c.118C>T on transcript NM_152732.5 (MANE Select); coding-DNA position 118, C replaced by T.
Protein change: p.Arg40Cys; replaces arginine 40 with cysteine.
Molecular consequence: missense variant. On other transcripts: non-coding transcript variant (2).
Genome position (GRCh38, 1-based): chr6:43,645,216, C>T. VCF-style: chr6-43645216-C-T. GRCh37 (hg19) VCF-style: chr6-43612953-C-T.
Other names: c.118C>T, p.Arg40Cys (NM_001193341.2, NM_001424119.1, NM_001424120.1 and 1 more transcripts); short protein forms R40C.
Identifiers: ClinVar variation 955333 (VCV000955333.12), dbSNP rs937089073, ClinGen allele CA364287234.

ClinVar aggregate classification (germline): Uncertain significance. Review status: criteria provided, multiple submitters, no conflicts (2 of 4 stars). 2 submissions from 2 submitters: Uncertain significance (2). Last evaluated 2023-11-09.

Conditions:
Primary ciliary dyskinesia. Also called: Ciliary dyskinesia. Identifiers: Orphanet 244, MedGen C0008780, MONDO:0016575, HP:0012265.

Allele frequency attached by ClinVar (database versions not stated): gnomAD 0.00001; gnomAD exomes 0.00001; TOPMed 0.00001.
gnomAD v4.1: 5 of 1,613,942 alleles (0.00031%); highest among the groups gnomAD compares: Non-Finnish European, 0.00042%; no homozygotes.

Submissions (2):

Ambry Genetics
Classification: Uncertain significance for Primary ciliary dyskinesia. Last evaluated: 2023-11-09. Review status: criteria provided, single submitter. Criteria: Ambry Variant Classification Scheme 2023. Collection method: clinical testing. Allele origin: germline.

Labcorp Genetics (formerly Invitae), Labcorp
Classification: Uncertain significance for Primary ciliary dyskinesia. Last evaluated: 2023-08-04. Review status: criteria provided, single submitter. Criteria: Invitae Variant Classification Sherloc (09022015). Collection method: clinical testing. Allele origin: germline.
Comment: This sequence change replaces arginine, which is basic and polar, with cysteine, which is neutral and slightly polar, at codon 40 of the RSPH9 protein (p.Arg40Cys). This variant is present in population databases (no rsID available, gnomAD 0.002%). This variant has not been reported in the literature in individuals affected with RSPH9-related conditions. ClinVar contains an entry for this variant (Variation ID: 955333). An algorithm developed to predict the effect of missense changes on protein structure and function (PolyPhen-2) suggests that this variant is likely to be disruptive. In summary, the available evidence is currently insufficient to determine the role of this variant in disease. Therefore, it has been classified as a Variant of Uncertain Significance.